The following is an entry in ClinVar:

ClinVar aggregate classification (germline): Uncertain significance (1 of 4 stars; one submission).

Conditions:
Epilepsy. Also called: Seizure disorder. Identifiers: MedGen C0014544, MeSH D004827, MONDO:0005027.

Allele frequency attached by ClinVar (database versions not stated): gnomAD 0.00001; TOPMed 0.00001; ExAC 0.00003; ESP Exome Variant Server 0.00008.

Submission:

Labcorp Genetics (formerly Invitae), Labcorp
Classification: Uncertain significance for Epilepsy. Last evaluated: 2024-10-16. Review status: criteria provided, single submitter. Criteria: Invitae Variant Classification Sherloc (09022015). Collection method: clinical testing. Allele origin: germline.
Comment: This sequence change replaces arginine, which is basic and polar, with tryptophan, which is neutral and slightly polar, at codon 95 of the PIGQ protein (p.Arg95Trp). The frequency data for this variant in the population databases is considered unreliable, as metrics indicate poor data quality at this position in the gnomAD database. This variant has not been reported in the literature in individuals affected with PIGQ-related conditions. ClinVar contains an entry for this variant (Variation ID: 2037172). An algorithm developed to predict the effect of missense changes on protein structure and function (PolyPhen-2) suggests that this variant is likely to be tolerated. In summary, the available evidence is currently insufficient to determine the role of this variant in disease. Therefore, it has been classified as a Variant of Uncertain Significance.

NM_004204.5(PIGQ):c.283C>T (p.Arg95Trp)

Gene: PIGQ (phosphatidylinositol glycan anchor biosynthesis class Q; plus strand). Cytogenetic location: 16p13.3.
Variant type: single nucleotide variant.
Coding change: c.283C>T on transcript NM_004204.5 (MANE Select); coding-DNA position 283, C replaced by T.
Protein change: p.Arg95Trp; replaces arginine 95 with tryptophan.
Molecular consequence: missense variant.
Genome position (GRCh38, 1-based): chr16:574,357, C>T. VCF-style: chr16-574357-C-T. GRCh37 (hg19) VCF-style: chr16-624357-C-T.
Other names: c.283C>T, p.Arg95Trp (NM_148920.4); short protein forms R95W.
Identifiers: ClinVar variation 2037172 (VCV002037172.4), dbSNP rs374606154, ClinGen allele CA7779824.
Genomic context (GRCh38, chr16:574,357, plus strand): 5'-GAGAGCCTGGGCCGCTTCCTGGAGAGCCTGGGTGCTGTCTTCCCCCATGAGCCCTGGCTG[C>T]GGCTGTGCCGGGAGAGAGGCGGCACGTTCTGGAGCTGCGAGGCCACCCACCGGCAAGCGC-3'
Protein context (NP_004195.2, residues 85-105): GAVFPHEPWL[Arg95Trp]LCRERGGTFW